The following is an entry in ClinVar:

NM_005445.4(SMC3):c.1647C>T (p.Cys549=)

Gene: SMC3 (structural maintenance of chromosomes 3; plus strand). Cytogenetic location: 10q25.2.
Variant type: single nucleotide variant.
Coding change: c.1647C>T on transcript NM_005445.4 (MANE Select); coding-DNA position 1647, C replaced by T.
Protein change: p.Cys549=; no amino-acid change (cysteine 549 retained).
Molecular consequence: synonymous variant.
Genome position (GRCh38, 1-based): chr10:110,590,549, C>T. VCF-style: chr10-110590549-C-T. GRCh37 (hg19) VCF-style: chr10-112350307-C-T.
Identifiers: ClinVar variation 3052735 (VCV003052735.7), dbSNP rs776428789, ClinGen allele CA5688003.

ClinVar aggregate classification (germline): Likely benign. Review status: criteria provided, single submitter (1 of 4 stars). 2 submissions from 2 submitters: Likely benign (1). 1 of the submissions does not count toward it. Last evaluated 2025-12-01.

Conditions:
SMC3-related disorder. Also called: SMC3-related condition.

Allele frequency attached by ClinVar (database versions not stated): ExAC 0.00001; gnomAD 0.00001; TOPMed 0.00001; gnomAD exomes 0.00003.
gnomAD v4.1: 41 of 1,613,856 alleles (0.0025%); highest among the groups gnomAD compares: Middle Eastern, 0.016%; no homozygotes.

Submissions (2):

CeGaT Center for Human Genetics Tuebingen
Classification: Likely benign. Last evaluated: 2025-12-01. Review status: criteria provided, single submitter. Criteria: CeGaT Center For Human Genetics Tuebingen Variant Classification Criteria Version 2. Collection method: clinical testing. Allele origin: germline. Affected: yes. Observed: 1 variant allele.
Comment: SMC3: BP4, BP7

PreventionGenetics, part of Exact Sciences
Classification: Likely benign for SMC3-related condition. Last evaluated: 2019-08-14. Review status: no assertion criteria provided. Collection method: clinical testing. Allele origin: germline. Not counted in ClinVar's aggregate classification.
Comment: This variant is classified as likely benign based on ACMG/AMP sequence variant interpretation guidelines (Richards et al. 2015 PMID: 25741868, with internal and published modifications).